The following is an entry in ClinVar:

NM_022356.4(P3H1):c.1812C>T (p.Pro604=)

Gene: P3H1 (prolyl 3-hydroxylase 1; minus strand). Cytogenetic location: 1p34.2.
Variant type: single nucleotide variant.
Coding change: c.1812C>T on transcript NM_022356.4 (MANE Select); coding-DNA position 1812, C replaced by T.
Protein change: p.Pro604=; no amino-acid change (proline 604 retained).
Molecular consequence: synonymous variant.
Genome position (GRCh38, 1-based): chr1:42,748,226, G>A on the plus strand (C>T on the coding strand, the complement: P3H1 is on the minus strand). VCF-style: chr1-42748226-G-A. GRCh37 (hg19) VCF-style: chr1-43213897-G-A.
Other names: p.Pro604=; c.1812C>T, p.Pro604= (NM_001146289.2, NM_001243246.2).
Identifiers: ClinVar variation 379771 (VCV000379771.29), dbSNP rs34809608, ClinGen allele CA801693.

ClinVar aggregate classification (germline): Conflicting classifications of pathogenicity. Review status: criteria provided, conflicting classifications (1 of 4 stars). 7 submissions from 6 submitters: Uncertain significance (1); Benign (6). Last evaluated 2026-01-29.

Conditions:
Osteogenesis imperfecta (OI). Identifiers: Orphanet 666, MedGen C0029434, MeSH D010013, MONDO:0019019.
Osteogenesis imperfecta type 8 (OI8). Identifiers: MedGen C1970458, MONDO:0012581, OMIM 610915.
Osteogenesis Imperfecta, Recessive.

Allele frequency attached by ClinVar (database versions not stated): gnomAD exomes 0.00396; ExAC 0.00463; ESP Exome Variant Server 0.01476; gnomAD 0.01479 and 0.01577; TOPMed 0.01662; 1000 Genomes Project 0.01757; 1000 Genomes Project 30x 0.01889.
gnomAD v4.1: 4,479 of 1,613,822 alleles (0.28%); highest among the groups gnomAD compares: African/African-American, 5.2%; 113 homozygotes.

Submissions (7):

Labcorp Genetics (formerly Invitae), Labcorp
Classification: Benign for Osteogenesis imperfecta type 8. Last evaluated: 2026-01-29. Review status: criteria provided, single submitter. Criteria: Invitae Variant Classification Sherloc (09022015). Collection method: clinical testing. Allele origin: germline.

ARUP Laboratories, Molecular Genetics and Genomics, ARUP Laboratories
Classification: Benign for Osteogenesis imperfecta type 8. Last evaluated: 2024-12-27. Review status: criteria provided, single submitter. Criteria: ARUP Molecular Germline Variant Investigation Process 2024. Collection method: clinical testing. Allele origin: germline.

Mayo Clinic Laboratories, Mayo Clinic
Classification: Benign. Last evaluated: 2023-03-12. Review status: criteria provided, single submitter. Criteria: ACMG Guidelines, 2015. Collection method: clinical testing. Allele origin: germline. Observed: 4 variant alleles.

Genome Diagnostics Laboratory, The Hospital for Sick Children
Classification: Benign for Osteogenesis imperfecta. Last evaluated: 2021-09-13. Review status: criteria provided, single submitter. Criteria: ACMG Guidelines, 2015. Collection method: clinical testing. Allele origin: germline.

Illumina Laboratory Services, Illumina
Classification: Benign for Osteogenesis imperfecta type 8. Last evaluated: 2017-04-28. Review status: criteria provided, single submitter. Criteria: ICSL Variant Classification Criteria 13 December 2019. Collection method: clinical testing. Allele origin: germline.
Comment: This variant was observed as part of a predisposition screen in an ostensibly healthy population. A literature search was performed for the gene, cDNA change, and amino acid change (where applicable). Publications were found based on this search. The evidence from the literature, in combination with allele frequency data from public databases where available, was sufficient to rule this variant out of causing disease. Therefore, this variant is classified as benign.

Illumina Laboratory Services, Illumina
Classification: Uncertain significance for Osteogenesis Imperfecta, Recessive. Last evaluated: 2017-04-27. Review status: criteria provided, single submitter. Criteria: ICSL Variant Classification Criteria 13 December 2019. Collection method: clinical testing. Allele origin: germline.

GeneDx
Classification: Benign. Last evaluated: 2016-10-10. Review status: criteria provided, single submitter. Criteria: GeneDx Variant Classification (06012015). Collection method: clinical testing. Allele origin: germline. Affected: yes.
Comment: This variant is considered likely benign or benign based on one or more of the following criteria: it is a conservative change, it occurs at a poorly conserved position in the protein, it is predicted to be benign by multiple in silico algorithms, and/or has population frequency not consistent with disease.

Literature cited by the submitters: PubMed 26634552 (cited by Illumina Laboratory Services, Illumina).